The following is an entry in ClinVar:

ClinVar aggregate classification (germline): Uncertain significance (1 of 4 stars; one submission).

Conditions:
Primary ciliary dyskinesia. Also called: Ciliary dyskinesia. Identifiers: Orphanet 244, MedGen C0008780, MONDO:0016575, HP:0012265.

Submission:

Labcorp Genetics (formerly Invitae), Labcorp
Classification: Uncertain significance for Primary ciliary dyskinesia. Last evaluated: 2022-11-22. Review status: criteria provided, single submitter. Criteria: Invitae Variant Classification Sherloc (09022015). Collection method: clinical testing. Allele origin: germline.
Comment: This sequence change replaces aspartic acid, which is acidic and polar, with tyrosine, which is neutral and polar, at codon 3101 of the DNAH8 protein (p.Asp3101Tyr). This variant is not present in population databases (gnomAD no frequency). This variant has not been reported in the literature in individuals affected with DNAH8-related conditions. ClinVar contains an entry for this variant (Variation ID: 1361200). Advanced modeling of protein sequence and biophysical properties (such as structural, functional, and spatial information, amino acid conservation, physicochemical variation, residue mobility, and thermodynamic stability) performed at Invitae indicates that this missense variant is expected to disrupt DNAH8 protein function. In summary, the available evidence is currently insufficient to determine the role of this variant in disease. Therefore, it has been classified as a Variant of Uncertain Significance.

NM_001206927.2(DNAH8):c.9301G>T (p.Asp3101Tyr)

Gene: DNAH8 (dynein axonemal heavy chain 8; plus strand). Cytogenetic location: 6p21.2.
Variant type: single nucleotide variant.
Coding change: c.9301G>T on transcript NM_001206927.2 (MANE Select); coding-DNA position 9301, G replaced by T.
Protein change: p.Asp3101Tyr; replaces aspartic acid 3101 with tyrosine.
Molecular consequence: missense variant.
Genome position (GRCh38, 1-based): chr6:38,906,360, G>T. VCF-style: chr6-38906360-G-T. GRCh37 (hg19) VCF-style: chr6-38874136-G-T.
Other names: c.8650G>T, p.Asp2884Tyr (NM_001371.4); short protein forms D2884Y, D3101Y.
Identifiers: ClinVar variation 1361200 (VCV001361200.8), dbSNP rs2150520538, ClinGen allele CA364001464.